The following is an entry in ClinVar:

NM_024312.5(GNPTAB):c.1931C>T (p.Thr644Ile)

Gene: GNPTAB (N-acetylglucosamine-1-phosphate transferase subunits alpha and beta; minus strand). Cytogenetic location: 12q23.2.
Variant type: single nucleotide variant.
Coding change: c.1931C>T on transcript NM_024312.5 (MANE Select); coding-DNA position 1931, C replaced by T.
Protein change: p.Thr644Ile; replaces threonine 644 with isoleucine.
Molecular consequence: missense variant.
Genome position (GRCh38, 1-based): chr12:101,764,986, G>A on the plus strand (C>T on the coding strand, the complement: GNPTAB is on the minus strand). VCF-style: chr12-101764986-G-A. GRCh37 (hg19) VCF-style: chr12-102158764-G-A.
Other names: p.Thr644Ile; short protein forms T644I.
Identifiers: ClinVar variation 194264 (VCV000194264.24), dbSNP rs76889468, ClinGen allele CA201075.

ClinVar aggregate classification (germline): Benign/Likely benign. Review status: criteria provided, multiple submitters, no conflicts (2 of 4 stars). 10 submissions from 9 submitters: Benign (5); Likely benign (2). 3 of the submissions do not count toward it. Last evaluated 2021-11-16.

Conditions:
Mucolipidosis type II. Also called: Mucolipidosis II Alpha/Beta; Mucolipidosis 2; ML 2; Inclusion cell disease; Leroy Disease; N-acetylglucosamine 1phosphotransferase deficiency. Identifiers: Orphanet 576, MedGen C2673377, MONDO:0009650, OMIM 252500.
Pseudo-Hurler polydystrophy. Also called: Mucolipidosis III Alpha/Beta; Type III Mucolipidosis; ML IIIA; ML III; ML III ALPHA/BETA; MUCOLIPIDOSIS IIIA. Identifiers: Orphanet 423461, Orphanet 577, MedGen C0033788, MONDO:0018931, OMIM 252600.

Allele frequency attached by ClinVar (database versions not stated): ESP Exome Variant Server 0.01722; 1000 Genomes Project 0.01737; 1000 Genomes Project 30x 0.01671; gnomAD 0.02108 and 0.02262; TOPMed 0.02112; gnomAD exomes 0.01395 and 0.01346; ExAC 0.01475.
gnomAD v4.1: 23,582 of 1,613,998 alleles (1.5%); highest among the groups gnomAD compares: African/African-American, 4%; 247 homozygotes.

Submissions (10):

Mayo Clinic Laboratories, Mayo Clinic
Classification: Benign. Last evaluated: 2021-11-16. Review status: criteria provided, single submitter. Criteria: ACMG Guidelines, 2015. Collection method: clinical testing. Allele origin: germline. Observed: 19 variant alleles.
Comment: BA1

Labcorp Genetics (formerly Invitae), Labcorp
Classification: Benign for Pseudo-Hurler polydystrophy; Mucolipidosis type II. Last evaluated: 2020-06-27. Review status: criteria provided, single submitter. Criteria: Invitae Variant Classification Sherloc (09022015). Collection method: clinical testing. Allele origin: germline.

GeneDx
Classification: Likely benign. Last evaluated: 2018-07-15. Review status: criteria provided, single submitter. Criteria: GeneDx Variant Classification Process June 2021. Collection method: clinical testing. Allele origin: germline. Affected: yes.

Illumina Laboratory Services, Illumina
Classification: Benign for Mucolipidosis type II. Last evaluated: 2018-01-13. Review status: criteria provided, single submitter. Criteria: ICSL Variant Classification Criteria 13 December 2019. Collection method: clinical testing. Allele origin: germline.
Comment: This variant was observed in the ICSL laboratory as part of a predisposition screen in an ostensibly healthy population. It had not been previously curated by ICSL or reported in the Human Gene Mutation Database (HGMD: prior to June 1st, 2018), and was therefore a candidate for classification through an automated scoring system. Utilizing variant allele frequency, disease prevalence and penetrance estimates, and inheritance mode, an automated score was calculated to assess if this variant is too frequent to cause the disease. Based on the score and internal cut-off values, a variant classified as benign is not then subjected to further curation. The score for this variant resulted in a classification of benign for this disease.

Illumina Laboratory Services, Illumina
Classification: Benign for Pseudo-Hurler polydystrophy. Last evaluated: 2018-01-13. Review status: criteria provided, single submitter. Criteria: ICSL Variant Classification Criteria 13 December 2019. Collection method: clinical testing. Allele origin: germline.
Comment: the same text as in the submission from Illumina Laboratory Services, Illumina above.

Eurofins Ntd Llc (ga)
Classification: Benign. Last evaluated: 2014-09-15. Review status: criteria provided, single submitter. Criteria: EGL Classification Definitions 2015. Collection method: clinical testing. Allele origin: germline. Observed: 2 variant alleles, 2 heterozygotes.

Breakthrough Genomics
Classification: Likely benign. Review status: criteria provided, single submitter. Criteria: ACMG Guidelines, 2015. Collection method: not provided. Allele origin: germline. Inheritance: Autosomal recessive inheritance. Affected: yes.

Natera, Inc.
Classification: Likely benign for Mucolipidosis type II. Last evaluated: 2019-12-04. Review status: no assertion criteria provided. Collection method: clinical testing. Allele origin: germline. Not counted in ClinVar's aggregate classification.

Genome Diagnostics Laboratory, University Medical Center Utrecht
Classification: Benign. Review status: no assertion criteria provided. Collection method: clinical testing. Allele origin: germline. Affected: yes. Study: VKGL Data-share Consensus. Not counted in ClinVar's aggregate classification.

Laboratory of Diagnostic Genome Analysis, Leiden University Medical Center (LUMC)
Classification: Likely benign. Review status: no assertion criteria provided. Collection method: clinical testing. Allele origin: germline. Affected: yes. Study: VKGL Data-share Consensus. Not counted in ClinVar's aggregate classification.